The following is an entry in ClinVar:

ClinVar aggregate classification (germline): Uncertain significance (1 of 4 stars; one submission).

gnomAD v4.1: 20 of 1,589,834 alleles (0.0013%); highest among the groups gnomAD compares: Non-Finnish European, 0.0015%; no homozygotes.

Submission:

Labcorp Genetics (formerly Invitae), Labcorp
Classification: Uncertain significance. Last evaluated: 2025-04-11. Review status: criteria provided, single submitter. Criteria: Invitae Variant Classification Sherloc (09022015). Collection method: clinical testing. Allele origin: germline.
Comment: This sequence change replaces lysine, which is basic and polar, with arginine, which is basic and polar, at codon 375 of the TGFB1 protein (p.Lys375Arg). The frequency data for this variant in the population databases is considered unreliable, as metrics indicate poor data quality at this position in the gnomAD database. This variant has not been reported in the literature in individuals affected with TGFB1-related conditions. ClinVar contains an entry for this variant (Variation ID: 3622415). Invitae Evidence Modeling of protein sequence and biophysical properties (such as structural, functional, and spatial information, amino acid conservation, physicochemical variation, residue mobility, and thermodynamic stability) indicates that this missense variant is not expected to disrupt TGFB1 protein function with a negative predictive value of 80%. In summary, the available evidence is currently insufficient to determine the role of this variant in disease. Therefore, it has been classified as a Variant of Uncertain Significance.

NM_000660.7(TGFB1):c.1124A>G (p.Lys375Arg)

Gene: TGFB1 (transforming growth factor beta 1; minus strand). Cytogenetic location: 19q13.2.
Variant type: single nucleotide variant.
Coding change: c.1124A>G on transcript NM_000660.7 (MANE Select); coding-DNA position 1124, A replaced by G.
Protein change: p.Lys375Arg; replaces lysine 375 with arginine.
Molecular consequence: missense variant.
Genome position (GRCh38, 1-based): chr19:41,331,101, T>C on the plus strand (A>G on the coding strand, the complement: TGFB1 is on the minus strand). VCF-style: chr19-41331101-T-C. GRCh37 (hg19) VCF-style: chr19-41837006-T-C.
Other names: short protein forms K375R.
Identifiers: ClinVar variation 3622415 (VCV003622415.2).